The following is an entry in ClinVar:

ClinVar aggregate classification (germline): Likely benign (1 of 4 stars; one submission).

gnomAD v4.1: 5 of 1,613,930 alleles (0.00031%); highest among the groups gnomAD compares: Admixed American, 0.0017%; no homozygotes.

Submission:

GeneDx
Classification: Likely benign. Last evaluated: 2015-01-12. Review status: criteria provided, single submitter. Criteria: GeneDx Variant Classification (06012015). Collection method: clinical testing. Allele origin: germline. Affected: yes.
Comment: This variant is considered likely benign or benign based on one or more of the following criteria: it is a conservative change, it occurs at a poorly conserved position in the protein, it is predicted to be benign by multiple in silico algorithms, and/or has population frequency not consistent with disease.

NM_004544.4(NDUFA10):c.215A>G (p.Lys72Arg)

Gene: NDUFA10 (NADH:ubiquinone oxidoreductase subunit A10; minus strand). Cytogenetic location: 2q37.3.
Variant type: single nucleotide variant.
Coding change: c.215A>G on transcript NM_004544.4 (MANE Select); coding-DNA position 215, A replaced by G.
Protein change: p.Lys72Arg; replaces lysine 72 with arginine.
Molecular consequence: missense variant. On other transcripts: non-coding transcript variant (3).
Genome position (GRCh38, 1-based): chr2:240,022,201, T>C on the plus strand (A>G on the coding strand, the complement: NDUFA10 is on the minus strand). VCF-style: chr2-240022201-T-C. GRCh37 (hg19) VCF-style: chr2-240961618-T-C.
Other names: p.K72R:AAA>AGA; c.215A>G, p.Lys72Arg (NM_001322019.2, NM_001322020.2); short protein forms K72R.
Identifiers: ClinVar variation 214698 (VCV000214698.1), dbSNP rs863224080, ClinGen allele CA321971.